The following is an entry in ClinVar:

NM_004187.5(KDM5C):c.4637G>A (p.Arg1546Gln)

Gene: KDM5C (lysine demethylase 5C; minus strand). Cytogenetic location: Xp11.22.
Variant type: single nucleotide variant.
Coding change: c.4637G>A on transcript NM_004187.5 (MANE Select); coding-DNA position 4637, G replaced by A.
Protein change: p.Arg1546Gln; replaces arginine 1546 with glutamine.
Molecular consequence: missense variant. On other transcripts: intron variant (5).
Genome position (GRCh38, 1-based): chrX:53,193,013, C>T on the plus strand (G>A on the coding strand, the complement: KDM5C is on the minus strand). VCF-style: chrX-53193013-C-T. GRCh37 (hg19) VCF-style: chrX-53222195-C-T.
Other names: c.4634G>A, p.Arg1545Gln (NM_001282622.3); c.4628G>A, p.Arg1543Gln (NM_001353978.3); c.4305+424G>A (NM_001353982.2); c.4314+424G>A (NM_001353979.2); c.4308+424G>A (NM_001353981.2, NM_001353984.2); c.4047-176G>A (NM_001146702.2); short protein forms R1546Q, R1543Q, R1545Q.
Identifiers: ClinVar variation 94879 (VCV000094879.43), dbSNP rs139569882, ClinGen allele CA222568.
Genomic context (GRCh38, chrX:53,193,013, plus strand): 5'-AGGCTCAGCCACTGTCACAACTGTTGCTGAGGCGGCTGCTGTGGGCAGGGCAGATGCAGC[C>T]GGGGAGTCAGAGTGGAGAAAGGGGCCGAGGGGCCTGAAGTGGTCCCTTCCGCCGGTTCCA-3'
Protein context (NP_004178.2, residues 1536-1556): PSAPFSTLTP[Arg1546Gln]LHLPCPQQPP

ClinVar aggregate classification (germline): Benign/Likely benign. Review status: criteria provided, multiple submitters, no conflicts (2 of 4 stars). 7 submissions from 7 submitters: Benign (2); Likely benign (5). Last evaluated 2026-01-26.

Conditions:
Spastic paraplegia. Identifiers: MedGen C0037772, HP:0001258.

Allele frequency attached by ClinVar (database versions not stated): gnomAD 0.00051 and 0.00053; gnomAD exomes 0.00038 and 0.00063; ESP Exome Variant Server 0.00047; TOPMed 0.00049; ExAC 0.00066.
gnomAD v4.1: 499 of 1,185,458 alleles (0.042%); highest among the groups gnomAD compares: Non-Finnish European, 0.0091%; 3 homozygotes.

Submissions (9):

Labcorp Genetics (formerly Invitae), Labcorp
Classification: Benign for Spastic paraplegia. Last evaluated: 2026-01-26. Review status: criteria provided, single submitter. Criteria: Invitae Variant Classification Sherloc (09022015). Collection method: clinical testing. Allele origin: germline.

Laboratory of Genetics, Children's Clinical University Hospital Latvia
Classification: Likely benign. Last evaluated: 2025-02-16. Review status: criteria provided, single submitter. Criteria: ACMG Guidelines, 2015. Collection method: clinical testing. Allele origin: germline. Affected: yes.

Blueprint Genetics
Classification: Likely benign. Last evaluated: 2024-11-28. Review status: criteria provided, single submitter. Criteria: ACMG Guidelines, 2015. Collection method: clinical testing. Allele origin: germline.

CeGaT Center for Human Genetics Tuebingen
Classification: Likely benign. Last evaluated: 2023-02-01. Review status: criteria provided, single submitter. Criteria: CeGaT Center For Human Genetics Tuebingen Variant Classification Criteria Version 2. Collection method: clinical testing. Allele origin: germline. Affected: yes. Observed: 1 variant allele.
Comment: KDM5C: PP2, BP4, BS2

GeneDx
Classification: Likely benign. Last evaluated: 2019-10-04. Review status: criteria provided, single submitter. Criteria: GeneDx Variant Classification Process June 2021. Collection method: clinical testing. Allele origin: germline. Affected: yes.
Comment: This variant is associated with the following publications: (PMID: 24583395, 23356856)

Athena Diagnostics
Classification: Benign. Last evaluated: 2019-04-02. Review status: criteria provided, single submitter. Criteria: Athena Diagnostics Criteria. Collection method: clinical testing. Allele origin: germline.

Eurofins Ntd Llc (ga)
Classification: Likely benign. Last evaluated: 2015-06-29. Review status: criteria provided, single submitter. Criteria: EGL Classification Definitions 2015. Collection method: clinical testing. Allele origin: germline. Observed: 2 variant alleles, 2 heterozygotes.

Dr. Peter K. Rogan Lab, Western University
No classification provided (evidence only). Condition: Familial cancer of breast. Review status: no classification provided. Collection method: in vitro. Allele origin: not applicable. Functional consequence: retained intron. Not counted in ClinVar's aggregate classification.

Dr. Peter K. Rogan Lab, Western University
No classification provided (evidence only). Condition: Hepatocellular carcinoma. Review status: no classification provided. Collection method: in vitro. Allele origin: not applicable. Functional consequence: retained intron. Not counted in ClinVar's aggregate classification.

Literature cited by the submitters: PubMed 23356856 (cited by Athena Diagnostics); PubMed 26934580 (cited by Athena Diagnostics); PubMed 25801821 (cited by Athena Diagnostics); PubMed 24583395 (cited by Athena Diagnostics).